The following is an entry in ClinVar:

ClinVar aggregate classification (germline): Uncertain significance (1 of 4 stars; one submission).

Conditions:
Familial cold autoinflammatory syndrome 3 (FCAS3). Also called: FAMILIAL ATYPICAL COLD URTICARIA; ANTIBODY DEFICIENCY AND IMMUNE DYSREGULATION, PLCG2-ASSOCIATED. Identifiers: Orphanet 300359, MedGen C3280914, MONDO:0013766, OMIM 614468.

Allele frequency attached by ClinVar (database versions not stated): TOPMed below 0.00001; ExAC 0.00001; gnomAD exomes 0.00001.
gnomAD v4.1: 9 of 1,613,596 alleles (0.00056%); highest among the groups gnomAD compares: Admixed American, 0.0017%; no homozygotes.

Submission:

Labcorp Genetics (formerly Invitae), Labcorp
Classification: Uncertain significance for Familial cold autoinflammatory syndrome 3. Last evaluated: 2023-12-20. Review status: criteria provided, single submitter. Criteria: Invitae Variant Classification Sherloc (09022015). Collection method: clinical testing. Allele origin: germline.
Comment: This sequence change replaces serine, which is neutral and polar, with asparagine, which is neutral and polar, at codon 1110 of the PLCG2 protein (p.Ser1110Asn). This variant is present in population databases (rs771833349, gnomAD 0.002%). This variant has not been reported in the literature in individuals affected with PLCG2-related conditions. Algorithms developed to predict the effect of missense changes on protein structure and function output the following: SIFT: "Not Available"; PolyPhen-2: "Benign"; Align-GVGD: "Not Available". The asparagine amino acid residue is found in multiple mammalian species, which suggests that this missense change does not adversely affect protein function. In summary, the available evidence is currently insufficient to determine the role of this variant in disease. Therefore, it has been classified as a Variant of Uncertain Significance.

NM_002661.5(PLCG2):c.3329G>A (p.Ser1110Asn)

Gene: PLCG2 (phospholipase C gamma 2; plus strand). Cytogenetic location: 16q23.3.
Variant type: single nucleotide variant.
Coding change: c.3329G>A on transcript NM_002661.5 (MANE Select); coding-DNA position 3329, G replaced by A.
Protein change: p.Ser1110Asn; replaces serine 1110 with asparagine.
Molecular consequence: missense variant.
Genome position (GRCh38, 1-based): chr16:81,939,907, G>A. VCF-style: chr16-81939907-G-A. GRCh37 (hg19) VCF-style: chr16-81973512-G-A.
Other names: c.3329G>A, p.Ser1110Asn (NM_001425749.1, NM_001425750.1, NM_001425751.1); short protein forms S1110N.
Identifiers: ClinVar variation 2969566 (VCV002969566.3), dbSNP rs771833349, ClinGen allele CA8194691.